The following is an entry in ClinVar:

ClinVar aggregate classification (germline): Uncertain significance (1 of 4 stars; one submission).

Conditions:
Hereditary cancer-predisposing syndrome. Also called: Neoplastic Syndromes, Hereditary; Tumor predisposition; Hereditary neoplastic syndrome; Hereditary Cancer Syndrome. Identifiers: Orphanet 140162, MedGen C0027672, MeSH D009386, MONDO:0015356.

Submission:

Ambry Genetics
Classification: Uncertain significance for Hereditary cancer-predisposing syndrome. Last evaluated: 2023-02-24. Review status: criteria provided, single submitter. Criteria: Ambry Variant Classification Scheme 2023. Collection method: clinical testing. Allele origin: germline.
Comment: The p.R252G variant (also known as c.754A>G), located in coding exon 6 of the CDK4 gene, results from an A to G substitution at nucleotide position 754. The arginine at codon 252 is replaced by glycine, an amino acid with dissimilar properties. This amino acid position is conserved. In addition, this alteration is predicted to be tolerated by in silico analysis. Since supporting evidence is limited at this time, the clinical significance of this alteration remains unclear.

NM_000075.4(CDK4):c.754A>G (p.Arg252Gly)

Genes: CDK4 (cyclin dependent kinase 4; minus strand), TSPAN31 (tetraspanin 31; plus strand). Cytogenetic location: 12q14.1.
Variant type: single nucleotide variant.
Coding change: c.754A>G on transcript NM_000075.4 (MANE Select); coding-DNA position 754, A replaced by G.
Protein change: p.Arg252Gly; replaces arginine 252 with glycine.
Molecular consequence: missense variant. On other transcripts: 3 prime UTR variant (3).
Genome position (GRCh38, 1-based): chr12:57,749,247, T>C on the plus strand (A>G on the coding strand, the complement: CDK4 is on the minus strand). VCF-style: chr12-57749247-T-C. GRCh37 (hg19) VCF-style: chr12-58143030-T-C.
Other names: c.*1957T>C (NM_001330168.2, NM_001330169.2, NM_005981.5); short protein forms R252G.
Identifiers: ClinVar variation 2452475 (VCV002452475.2), dbSNP rs2540896072, ClinGen allele CA385543326.